The following is an entry in ClinVar:

NM_014714.4(IFT140):c.2157T>G (p.Ser719Arg)

Gene: IFT140 (intraflagellar transport 140; minus strand). Cytogenetic location: 16p13.3.
Variant type: single nucleotide variant.
Coding change: c.2157T>G on transcript NM_014714.4 (MANE Select); coding-DNA position 2157, T replaced by G.
Protein change: p.Ser719Arg; replaces serine 719 with arginine.
Molecular consequence: missense variant.
Genome position (GRCh38, 1-based): chr16:1,562,027, A>C on the plus strand (T>G on the coding strand, the complement: IFT140 is on the minus strand). VCF-style: chr16-1562027-A-C. GRCh37 (hg19) VCF-style: chr16-1612028-A-C.
Other names: short protein forms S719R.
Identifiers: ClinVar variation 4745827 (VCV004745827.1).
Genomic context (GRCh38, chr16:1,562,027, plus strand): 5'-GATGTCGTGGCTTCGTACCTTTCTTGTGAAGTAGTAATAAGGCACTTCCATCCCCAGGAG[A>C]CTGTGGGAGGTGGCAGGCCGGGGGAAGCTCTCATGAAGCAGGAAGCCGTGCTCTTCGGAA-3'
Protein context (NP_055529.2, residues 709-729): ESFPRPATSH[Ser719Arg]LLGMEVPYYY

ClinVar aggregate classification (germline): Uncertain significance (1 of 4 stars; one submission).

Conditions:
Saldino-Mainzer syndrome (SRTD9). Also called: CONORENAL SYNDROME; Renal dysplasia, retinal pigmentary dystrophy, cerebellar ataxia and skeletal dysplasia; SHORT-RIB THORACIC DYSPLASIA 9 WITHOUT POLYDACTYLY; short-rib thoracic dysplasia 9 with or without polydactyly. Identifiers: Orphanet 140969, MedGen C1849437, MONDO:0009964, OMIM 266920.

gnomAD v4.1: 2 of 1,611,404 alleles (0.00012%); no homozygotes.

Submission:

Labcorp Genetics (formerly Invitae), Labcorp
Classification: Uncertain significance for Saldino-Mainzer syndrome. Last evaluated: 2025-06-19. Review status: criteria provided, single submitter. Criteria: Invitae Variant Classification Sherloc (09022015). Collection method: clinical testing. Allele origin: germline.
Comment: This sequence change replaces serine, which is neutral and polar, with arginine, which is basic and polar, at codon 719 of the IFT140 protein (p.Ser719Arg). This variant is present in population databases (no rsID available, gnomAD 0.004%). This variant has not been reported in the literature in individuals affected with IFT140-related conditions. Invitae Evidence Modeling of protein sequence and biophysical properties (such as structural, functional, and spatial information, amino acid conservation, physicochemical variation, residue mobility, and thermodynamic stability) indicates that this missense variant is not expected to disrupt IFT140 protein function with a negative predictive value of 95%. In summary, the available evidence is currently insufficient to determine the role of this variant in disease. Therefore, it has been classified as a Variant of Uncertain Significance.